The following is an entry in ClinVar:

ClinVar aggregate classification (germline): Uncertain significance. Review status: criteria provided, multiple submitters, no conflicts (2 of 4 stars). 2 submissions from 2 submitters: Uncertain significance (2). Last evaluated 2024-02-05.

Conditions:
Autosomal dominant Parkinson disease 8. Also called: LRRK2-Related Parkinson Disease; Parkinson disease 8; Parkinson disease 8, susceptibility to. Identifiers: Orphanet 411602, MedGen C1846862, MONDO:0011764, OMIM 607060.
Inborn genetic diseases. Identifiers: MedGen C0950123, MeSH D030342.

Allele frequency attached by ClinVar (database versions not stated): TOPMed 0.00001; ExAC 0.00002; gnomAD 0.00002; gnomAD exomes 0.00002.
gnomAD v4.1: 26 of 1,613,344 alleles (0.0016%); highest among the groups gnomAD compares: East Asian, 0.0045%; no homozygotes.

Submissions (2):

Labcorp Genetics (formerly Invitae), Labcorp
Classification: Uncertain significance for Autosomal dominant Parkinson disease 8. Last evaluated: 2024-02-05. Review status: criteria provided, single submitter. Criteria: Invitae Variant Classification Sherloc (09022015). Collection method: clinical testing. Allele origin: germline.
Comment: This sequence change replaces arginine, which is basic and polar, with glutamine, which is neutral and polar, at codon 1199 of the LRRK2 protein (p.Arg1199Gln). This variant is present in population databases (rs770252874, gnomAD 0.03%). This variant has not been reported in the literature in individuals affected with LRRK2-related conditions. Advanced modeling of protein sequence and biophysical properties (such as structural, functional, and spatial information, amino acid conservation, physicochemical variation, residue mobility, and thermodynamic stability) has been performed at Invitae for this missense variant, however the output from this modeling did not meet the statistical confidence thresholds required to predict the impact of this variant on LRRK2 protein function. In summary, the available evidence is currently insufficient to determine the role of this variant in disease. Therefore, it has been classified as a Variant of Uncertain Significance.

Ambry Genetics
Classification: Uncertain significance for Inborn genetic diseases. Last evaluated: 2022-12-24. Review status: criteria provided, single submitter. Criteria: Ambry Variant Classification Scheme 2023. Collection method: clinical testing. Allele origin: germline.
Comment: The p.R1199Q variant (also known as c.3596G>A), located in coding exon 27 of the LRRK2 gene, results from a G to A substitution at nucleotide position 3596. The arginine at codon 1199 is replaced by glutamine, an amino acid with highly similar properties. This amino acid position is conserved. In addition, the in silico prediction for this alteration is inconclusive. Since supporting evidence is limited at this time, the clinical significance of this alteration remains unclear.

NM_198578.4(LRRK2):c.3596G>A (p.Arg1199Gln)

Gene: LRRK2 (leucine rich repeat kinase 2; plus strand). Cytogenetic location: 12q12.
Variant type: single nucleotide variant.
Coding change: c.3596G>A on transcript NM_198578.4 (MANE Select); coding-DNA position 3596, G replaced by A.
Protein change: p.Arg1199Gln; replaces arginine 1199 with glutamine.
Molecular consequence: missense variant.
Genome position (GRCh38, 1-based): chr12:40,303,953, G>A. VCF-style: chr12-40303953-G-A. GRCh37 (hg19) VCF-style: chr12-40697755-G-A.
Other names: c.3596G>A (NM_198578.3); short protein forms R1199Q.
Identifiers: ClinVar variation 2768052 (VCV002768052.4), dbSNP rs770252874, ClinGen allele CA6513964.
Genomic context (GRCh38, chr12:40,303,953, plus strand): 5'-TCATGTATTTTGGAAATACTCATTTGGTTTATGTCTTTTCTGTGTATTGTTTTAGCTTGC[G>A]GTCTTTAGATATGAGCAGCAATGATATTCAGTACCTACCAGGTCCCGCACACTGGAAATC-3'
Protein context (NP_940980.4, residues 1189-1209): PEAILNLPHL[Arg1199Gln]SLDMSSNDIQ